The following is an entry in ClinVar:

NM_001354768.3(NRL):c.567dup (p.Glu190fs)

Genes: NRL (neural retina leucine zipper; minus strand), LOC130055387 (ATAC-STARR-seq lymphoblastoid silent region 5620; plus strand). Cytogenetic location: 14q11.2.
Variant type: Duplication.
Coding change: c.567dup on transcript NM_001354768.3 (MANE Select); coding-DNA position 567, one base duplicated (C; older notation c.567dupC).
Protein change: p.Glu190fs; shifts the reading frame from glutamic acid 190.
Molecular consequence: frameshift variant.
Genome position (GRCh38, 1-based): chr14:24,081,383, G duplicated on the plus strand (C on the coding strand, the reverse complement: NRL is on the minus strand); the first of 2 consecutive G bases (chr14:24,081,383-24,081,384); duplicating either gives the same sequence. VCF-style (leftmost placement, unchanged base first): chr14-24081382-C-CG. GRCh37 (hg19) VCF-style: chr14-24550591-C-CG.
Other names: c.567dup, p.Glu190fs (NM_001354769.1, NM_006177.5); c.252dup, p.Glu85fs (NM_001354770.2); short protein forms E190fs, E85fs.
Identifiers: ClinVar variation 1470971 (VCV001470971.6), dbSNP rs2138869370, ClinGen allele CA2573149788.

ClinVar aggregate classification (germline): Uncertain significance (1 of 4 stars; one submission).

Submission:

Labcorp Genetics (formerly Invitae), Labcorp
Classification: Uncertain significance. Last evaluated: 2021-08-26. Review status: criteria provided, single submitter. Criteria: Invitae Variant Classification Sherloc (09022015). Collection method: clinical testing. Allele origin: germline.
Comment: In summary, the available evidence is currently insufficient to determine the role of this variant in disease. Therefore, it has been classified as a Variant of Uncertain Significance. This variant disrupts the C-terminus of the NRL protein. Other variant(s) that disrupt this region (p.Cys219Valfs*4) have been observed in individuals with NRL-related conditions (PMID: 22334370). This suggests that this may be a clinically significant region of the protein. This variant has not been reported in the literature in individuals affected with NRL-related conditions. The frequency data for this variant in the population databases is considered unreliable, as metrics indicate insufficient coverage at this position in the ExAC database. This sequence change creates a premature translational stop signal (p.Glu190Argfs*31) in the NRL gene. While this is not anticipated to result in nonsense mediated decay, it is expected to disrupt the last 48 amino acid(s) of the NRL protein.

Literature cited by the submitters: PubMed 22334370.